The following is an entry in ClinVar:

ClinVar aggregate classification (germline): Uncertain significance. Review status: criteria provided, multiple submitters, no conflicts (2 of 4 stars). 2 submissions from 2 submitters: Uncertain significance (2). Last evaluated 2025-05-06.

Allele frequency attached by ClinVar (database versions not stated): gnomAD 0.00001; TOPMed 0.00001; gnomAD exomes 0.00003 and 0.00005; ExAC 0.00004; ESP Exome Variant Server 0.00008.
gnomAD v4.1: 42 of 1,612,890 alleles (0.0026%); highest among the groups gnomAD compares: Middle Eastern, 0.016%; no homozygotes.

Submissions (2):

Women's Health and Genetics/Laboratory Corporation of America, LabCorp
Classification: Uncertain significance. Last evaluated: 2025-05-06. Review status: criteria provided, single submitter. Criteria: LabCorp Variant Classification Summary - May 2015. Collection method: clinical testing. Allele origin: germline.
Comment: Variant summary: PCLO c.12179C>T (p.Ala4060Val) results in a non-conservative amino acid change in the encoded protein sequence. Algorithms developed to predict the effect of missense changes on protein structure and function are either unavailable or do not agree on the potential impact of this missense change. The variant allele was found at a frequency of 4.9e-05 in 247040 control chromosomes. This frequency is not significantly higher than estimated for a pathogenic variant in PCLO causing Pontocerebellar Hypoplasia Type 3, allowing no conclusion about variant significance. To our knowledge, no occurrence of c.12179C>T in individuals affected with Pontocerebellar Hypoplasia Type 3 and no experimental evidence demonstrating its impact on protein function have been reported. ClinVar contains an entry for this variant (Variation ID: 1366121). Based on the evidence outlined above, the variant was classified as uncertain significance.

Labcorp Genetics (formerly Invitae), Labcorp
Classification: Uncertain significance. Last evaluated: 2022-04-30. Review status: criteria provided, single submitter. Criteria: Invitae Variant Classification Sherloc (09022015). Collection method: clinical testing. Allele origin: germline.
Comment: This variant has not been reported in the literature in individuals affected with PCLO-related conditions. This sequence change replaces alanine, which is neutral and non-polar, with valine, which is neutral and non-polar, at codon 4060 of the PCLO protein (p.Ala4060Val). This variant is present in population databases (rs370449283, gnomAD 0.01%). Algorithms developed to predict the effect of missense changes on protein structure and function are either unavailable or do not agree on the potential impact of this missense change (SIFT: "Deleterious"; PolyPhen-2: "Not Available"; Align-GVGD: "Class C0"). In summary, the available evidence is currently insufficient to determine the role of this variant in disease. Therefore, it has been classified as a Variant of Uncertain Significance.

NM_033026.6(PCLO):c.12179C>T (p.Ala4060Val)

Gene: PCLO (piccolo presynaptic cytomatrix protein; minus strand). Cytogenetic location: 7q21.11.
Variant type: single nucleotide variant.
Coding change: c.12179C>T on transcript NM_033026.6 (MANE Select); coding-DNA position 12179, C replaced by T.
Protein change: p.Ala4060Val; replaces alanine 4060 with valine.
Molecular consequence: missense variant.
Genome position (GRCh38, 1-based): chr7:82,915,807, G>A on the plus strand (C>T on the coding strand, the complement: PCLO is on the minus strand). VCF-style: chr7-82915807-G-A. GRCh37 (hg19) VCF-style: chr7-82545123-G-A.
Other names: c.12179C>T, p.Ala4060Val (NM_014510.3); short protein forms A4060V.
Identifiers: ClinVar variation 1366121 (VCV001366121.5), dbSNP rs370449283, ClinGen allele CA4319423.